The following is an entry in ClinVar:

ClinVar aggregate classification (germline): Uncertain significance (1 of 4 stars; one submission).

Submission:

Labcorp Genetics (formerly Invitae), Labcorp
Classification: Uncertain significance. Last evaluated: 2023-12-19. Review status: criteria provided, single submitter. Criteria: Invitae Variant Classification Sherloc (09022015). Collection method: clinical testing. Allele origin: germline.
Comment: This sequence change replaces arginine, which is basic and polar, with lysine, which is basic and polar, at codon 1210 of the ANK1 protein (p.Arg1210Lys). This variant also falls at the last nucleotide of exon 30, which is part of the consensus splice site for this exon. This variant is not present in population databases (gnomAD no frequency). This variant has not been reported in the literature in individuals affected with ANK1-related conditions. An algorithm developed to predict the effect of missense changes on protein structure and function (PolyPhen-2) suggests that this variant is likely to be disruptive. Variants that disrupt the consensus splice site are a relatively common cause of aberrant splicing (PMID: 17576681, 9536098). Algorithms developed to predict the effect of sequence changes on RNA splicing suggest that this variant may disrupt the consensus splice site. In summary, the available evidence is currently insufficient to determine the role of this variant in disease. Therefore, it has been classified as a Variant of Uncertain Significance.

Literature cited by the submitters: PubMed 17576681; PubMed 9536098.

NM_000037.4(ANK1):c.3629G>A (p.Arg1210Lys)

Gene: ANK1 (ankyrin 1; minus strand). Cytogenetic location: 8p11.21.
Variant type: single nucleotide variant.
Coding change: c.3629G>A on transcript NM_000037.4 (MANE Select); coding-DNA position 3629, G replaced by A.
Protein change: p.Arg1210Lys; replaces arginine 1210 with lysine.
Molecular consequence: missense variant.
Genome position (GRCh38, 1-based): chr8:41,693,105, C>T on the plus strand (G>A on the coding strand, the complement: ANK1 is on the minus strand). VCF-style: chr8-41693105-C-T. GRCh37 (hg19) VCF-style: chr8-41550623-C-T.
Other names: c.3752G>A, p.Arg1251Lys (NM_001142446.2); c.3629G>A, p.Arg1210Lys (NM_020475.3, NM_020476.3, NM_020477.3); short protein forms R1210K, R1251K.
Identifiers: ClinVar variation 2761594 (VCV002761594.3), dbSNP rs961422459, ClinGen allele CA175929419.